The following is an entry in ClinVar:

NM_001171.6(ABCC6):c.4070G>A (p.Arg1357Gln)

Gene: ABCC6 (ATP binding cassette subfamily C member 6; minus strand). Cytogenetic location: 16p13.11.
Variant type: single nucleotide variant.
Coding change: c.4070G>A on transcript NM_001171.6 (MANE Select); coding-DNA position 4070, G replaced by A.
Protein change: p.Arg1357Gln; replaces arginine 1357 with glutamine.
Molecular consequence: missense variant. On other transcripts: non-coding transcript variant (1).
Genome position (GRCh38, 1-based): chr16:16,154,766, C>T on the plus strand (G>A on the coding strand, the complement: ABCC6 is on the minus strand). VCF-style: chr16-16154766-C-T. GRCh37 (hg19) VCF-style: chr16-16248623-C-T.
Other names: c.3728G>A, p.Arg1243Gln (NM_001351800.1); short protein forms R1243Q, R1357Q.
Identifiers: ClinVar variation 1359254 (VCV001359254.13), dbSNP rs201275608, ClinGen allele CA7925318.

ClinVar aggregate classification (germline): Conflicting classifications of pathogenicity. Review status: criteria provided, conflicting classifications (1 of 4 stars). 4 submissions from 4 submitters: Likely pathogenic (1); Uncertain significance (3). Last evaluated 2025-12-24.

Conditions:
Autosomal recessive inherited pseudoxanthoma elasticum (PXE). Identifiers: Orphanet 758, MedGen CN032334, MONDO:0009925, OMIM 264800.
Pseudoxanthoma elasticum, forme fruste. Also called: PSEUDOXANTHOMA ELASTICUM, HETEROZYGOUS; Pseudoxanthoma Elasticum, Incomplete. Identifiers: Orphanet 758, MedGen C1867450, MONDO:0008333, OMIM 177850.
Arterial calcification, generalized, of infancy, 2. Identifiers: Orphanet 51608, MedGen C3276161, MONDO:0013768, OMIM 614473.

Allele frequency attached by ClinVar (database versions not stated): TOPMed 0.00006; gnomAD 0.00008 and 0.00009; gnomAD exomes 0.00008; ExAC 0.00016.
gnomAD v4.1: 83 of 1,612,490 alleles (0.0051%); highest among the groups gnomAD compares: East Asian, 0.029%; no homozygotes.

Submissions (4):

Labcorp Genetics (formerly Invitae), Labcorp
Classification: Likely pathogenic. Last evaluated: 2025-12-24. Review status: criteria provided, single submitter. Criteria: Invitae Variant Classification Sherloc (09022015). Collection method: clinical testing. Allele origin: germline.
Comment: This sequence change replaces arginine, which is basic and polar, with glutamine, which is neutral and polar, at codon 1357 of the ABCC6 protein (p.Arg1357Gln). This variant is present in population databases (rs201275608, gnomAD 0.04%). This variant has not been reported in the literature in individuals affected with ABCC6-related conditions. ClinVar contains an entry for this variant (Variation ID: 1359254). Invitae Evidence Modeling of protein sequence and biophysical properties (such as structural, functional, and spatial information, amino acid conservation, physicochemical variation, residue mobility, and thermodynamic stability) indicates that this missense variant is expected to disrupt ABCC6 protein function with a positive predictive value of 95%. Algorithms developed to predict the effect of sequence changes on RNA splicing suggest that this variant may disrupt the consensus splice site. This variant disrupts the p.Arg1357 amino acid residue in ABCC6. Other variant(s) that disrupt this residue have been determined to be pathogenic (PMID: 15645653, 16086317, 28912966). This suggests that this residue is clinically significant, and that variants that disrupt this residue are likely to be disease-causing. In summary, the currently available evidence indicates that the variant is pathogenic, but additional data are needed to prove that conclusively. Therefore, this variant has been classified as Likely Pathogenic.

Blueprint Genetics
Classification: Uncertain significance. Last evaluated: 2024-07-29. Review status: criteria provided, single submitter. Criteria: ACMG Guidelines, 2015. Collection method: clinical testing. Allele origin: germline.

Fulgent Genetics
Classification: Uncertain significance for Pseudoxanthoma elasticum, forme fruste; Autosomal recessive inherited pseudoxanthoma elasticum; Arterial calcification, generalized, of infancy, 2. Last evaluated: 2024-05-29. Review status: criteria provided, single submitter. Criteria: ACMG Guidelines, 2015. Collection method: clinical testing. Allele origin: germline.

Juno Genomics, Hangzhou Juno Genomics, Inc
Classification: Uncertain significance for Autosomal recessive inherited pseudoxanthoma elasticum; Arterial calcification, generalized, of infancy, 2; Pseudoxanthoma elasticum, forme fruste. Review status: criteria provided, single submitter. Criteria: ACMG Guidelines, 2015. Collection method: clinical testing. Allele origin: germline.
Comment: Absent from controls (or at extremely low frequency if recessive) in Genome Aggregation Database.;Multiple lines of computational evidence support a deleterious effect on the gene or gene product.

Literature cited by the submitters: PubMed 15645653 (cited by Labcorp Genetics (formerly Invitae), Labcorp); PubMed 16086317 (cited by Labcorp Genetics (formerly Invitae), Labcorp); PubMed 28912966 (cited by Labcorp Genetics (formerly Invitae), Labcorp).